The following is an entry in ClinVar:

ClinVar aggregate classification (germline): Uncertain significance (1 of 4 stars; one submission).

Conditions:
Myofibrillar myopathy 5. Also called: Filaminopathy (type); FILAMINOPATHY, AUTOSOMAL DOMINANT. Identifiers: Orphanet 171445, MedGen C1836050, MONDO:0012289, OMIM 609524.
Distal myopathy with posterior leg and anterior hand involvement. Also called: WILLIAMS DISTAL MYOPATHY. Identifiers: Orphanet 63273, MedGen C3279722, MONDO:0013550, OMIM 614065.
Hypertrophic cardiomyopathy 26. Also called: Cardiomyopathy, familial hypertrophic, 26. Identifiers: Orphanet 75249, MedGen C4310749, MONDO:0014883, OMIM 617047.

Submission:

Labcorp Genetics (formerly Invitae), Labcorp
Classification: Uncertain significance for Distal myopathy with posterior leg and anterior hand involvement; Myofibrillar myopathy 5; Hypertrophic cardiomyopathy 26. Last evaluated: 2023-01-17. Review status: criteria provided, single submitter. Criteria: Invitae Variant Classification Sherloc (09022015). Collection method: clinical testing. Allele origin: germline.
Comment: This variant has not been reported in the literature in individuals affected with FLNC-related conditions. This variant is not present in population databases (gnomAD no frequency). This sequence change falls in intron 10 of the FLNC gene. It does not directly change the encoded amino acid sequence of the FLNC protein. It affects a nucleotide within the consensus splice site. In summary, the available evidence is currently insufficient to determine the role of this variant in disease. Therefore, it has been classified as a Variant of Uncertain Significance. Variants that disrupt the consensus splice site are a relatively common cause of aberrant splicing (PMID: 17576681, 9536098). Algorithms developed to predict the effect of sequence changes on RNA splicing suggest that this variant is not likely to affect RNA splicing.

Literature cited by the submitters: PubMed 17576681; PubMed 9536098.

NM_001458.5(FLNC):c.1676+3G>A

Gene: FLNC (filamin C; plus strand). Cytogenetic location: 7q32.1.
Variant type: single nucleotide variant.
Coding change: c.1676+3G>A on transcript NM_001458.5 (MANE Select); 3 bases into the intron after coding-DNA position 1676, G replaced by A.
Molecular consequence: intron variant.
Genome position (GRCh38, 1-based): chr7:128,840,677, G>A. VCF-style: chr7-128840677-G-A. GRCh37 (hg19) VCF-style: chr7-128480731-G-A.
Other names: c.1676+3G>A (NM_001127487.2).
Identifiers: ClinVar variation 2935226 (VCV002935226.3), dbSNP rs2536626608, ClinGen allele CA2740097548.